The following is an entry in ClinVar:

ClinVar aggregate classification (germline): Uncertain significance (1 of 4 stars; one submission).

Conditions:
Autosomal recessive limb-girdle muscular dystrophy type 2J (LGMDR10). Also called: Limb-girdle muscular dystrophy, type 2J; MUSCULAR DYSTROPHY, LIMB-GIRDLE, AUTOSOMAL RECESSIVE 10. Identifiers: Orphanet 140922, MedGen C1837342, MONDO:0012127, OMIM 608807.
Dilated cardiomyopathy 1G (CMD1G). Identifiers: Orphanet 154, MedGen C1858763, MONDO:0011400, OMIM 604145.

gnomAD v4.1: 1 of 1,613,798 alleles (0.000062%); highest among the groups gnomAD compares: Non-Finnish European, 0.000085%; no homozygotes.

Submission:

Labcorp Genetics (formerly Invitae), Labcorp
Classification: Uncertain significance for Dilated cardiomyopathy 1G; Autosomal recessive limb-girdle muscular dystrophy type 2J. Last evaluated: 2024-08-22. Review status: criteria provided, single submitter. Criteria: Invitae Variant Classification Sherloc (09022015). Collection method: clinical testing. Allele origin: germline.
Comment: This sequence change replaces leucine, which is neutral and non-polar, with serine, which is neutral and polar, at codon 35789 of the TTN protein (p.Leu35789Ser). This variant is not present in population databases (gnomAD no frequency). This variant has not been reported in the literature in individuals affected with TTN-related conditions. Experimental studies and prediction algorithms are not available or were not evaluated, and the functional significance of this variant is currently unknown. This variant is located in the M band of TTN (PMID: 25589632). Non-truncating variants in this region may be relevant for neuromuscular disorders, but have not been definitively shown to cause cardiomyopathy (PMID: 23975875). In summary, the available evidence is currently insufficient to determine the role of this variant in disease. Therefore, it has been classified as a Variant of Uncertain Significance.

Literature cited by the submitters: PubMed 25589632; PubMed 23975875.

NM_001267550.2(TTN):c.107366T>C (p.Leu35789Ser)

Genes: TTN (titin; minus strand), TTN-AS1 (TTN antisense RNA 1; plus strand). Cytogenetic location: 2q31.2.
Variant type: single nucleotide variant.
Coding change: c.107366T>C on transcript NM_001267550.2 (MANE Select); coding-DNA position 107366, T replaced by C.
Protein change: p.Leu35789Ser; replaces leucine 35789 with serine.
Molecular consequence: missense variant.
Genome position (GRCh38, 1-based): chr2:178,528,285, A>G on the plus strand (T>C on the coding strand, the complement: TTN is on the minus strand). VCF-style: chr2-178528285-A-G. GRCh37 (hg19) VCF-style: chr2-179393012-A-G.
Other names: c.80171T>C, p.Leu26724Ser (NM_003319.4); c.99662T>C, p.Leu33221Ser (NM_133378.4); c.80546T>C, p.Leu26849Ser (NM_133432.3); c.80747T>C, p.Leu26916Ser (NM_133437.4); c.102443T>C, p.Leu34148Ser (NM_001256850.1); short protein forms L26724S, L26849S, L26916S, L33221S, L34148S, L35789S.
Identifiers: ClinVar variation 3750930 (VCV003750930.2).